The following is an entry in ClinVar:

NM_004525.3(LRP2):c.4706del (p.Phe1569fs)

Gene: LRP2 (LDL receptor related protein 2; minus strand). Cytogenetic location: 2q31.1.
Variant type: Deletion.
Coding change: c.4706del on transcript NM_004525.3 (MANE Select); coding-DNA position 4706, one base deleted (T; older notation c.4706delT).
Protein change: p.Phe1569fs; shifts the reading frame from phenylalanine 1569.
Molecular consequence: frameshift variant.
Genome position (GRCh38, 1-based): chr2:169,236,054, A deleted on the plus strand (T on the coding strand, the reverse complement: LRP2 is on the minus strand); the first of 2 consecutive A bases (chr2:169,236,054-169,236,055); deleting either gives the same sequence. VCF-style (leftmost placement, unchanged base first): chr2-169236053-GA-G. GRCh37 (hg19) VCF-style: chr2-170092563-GA-G.
Other names: short protein forms F1569fs.
Identifiers: ClinVar variation 2845069 (VCV002845069.3), dbSNP rs2528353811, ClinGen allele CA2577150110.

ClinVar aggregate classification (germline): Pathogenic (1 of 4 stars; one submission).

Submission:

Labcorp Genetics (formerly Invitae), Labcorp
Classification: Pathogenic. Last evaluated: 2023-03-12. Review status: criteria provided, single submitter. Criteria: Invitae Variant Classification Sherloc (09022015). Collection method: clinical testing. Allele origin: germline.
Comment: For these reasons, this variant has been classified as Pathogenic. This variant has not been reported in the literature in individuals affected with LRP2-related conditions. This variant is not present in population databases (gnomAD no frequency). This sequence change creates a premature translational stop signal (p.Phe1569Serfs*35) in the LRP2 gene. It is expected to result in an absent or disrupted protein product. Loss-of-function variants in LRP2 are known to be pathogenic (PMID: 17632512, 25682901).

Literature cited by the submitters: PubMed 17632512; PubMed 25682901.